The following is an entry in ClinVar:

ClinVar aggregate classification (germline): Likely benign (1 of 4 stars; one submission).

gnomAD v4.1: 3 of 1,171,932 alleles (0.00026%); highest among the groups gnomAD compares: African/African-American, 0.0033%; no homozygotes.

Submission:

CeGaT Center for Human Genetics Tuebingen
Classification: Likely benign. Last evaluated: 2026-09-01. Review status: criteria provided, single submitter. Criteria: CeGaT Center For Human Genetics Tuebingen Variant Classification Criteria Version 2. Collection method: clinical testing. Allele origin: germline. Affected: yes. Observed: 1 variant allele.
Comment: NOVA2: BP4, BP7

NM_002516.4(NOVA2):c.1017C>T (p.Ala339=)

Gene: NOVA2 (NOVA alternative splicing regulator 2; minus strand). Cytogenetic location: 19q13.32.
Variant type: single nucleotide variant.
Coding change: c.1017C>T on transcript NM_002516.4 (MANE Select); coding-DNA position 1017, C replaced by T.
Protein change: p.Ala339=; no amino-acid change (alanine 339 retained).
Molecular consequence: synonymous variant.
Genome position (GRCh38, 1-based): chr19:45,940,325, G>A on the plus strand (C>T on the coding strand, the complement: NOVA2 is on the minus strand). VCF-style: chr19-45940325-G-A. GRCh37 (hg19) VCF-style: chr19-46443583-G-A.
Identifiers: ClinVar variation 5041764 (VCV005041764.1).
Genomic context (GRCh38, chr19:45,940,325, plus strand): 5'-GGCCAACGCAAAGGACCCCAGGGCTCCGGGAGGCGGGGGCGGCGGCGGGGCGGCCCCTCC[G>A]GCTGGCCCGGCCCCGGCCTCGCCCGCGTAGGATGCCAGGAGGTTGGCGGCGGCGGCGGCT-3'
Protein context (NP_002507.1, residues 329-349): SYAGEAGAGP[Ala339=]GGAAPPPPPP